The following is an entry in ClinVar:

ClinVar aggregate classification (germline): Uncertain significance (1 of 4 stars; one submission).

Allele frequency attached by ClinVar (database versions not stated): gnomAD exomes below 0.00001 and 0.00001; TOPMed 0.00001; ExAC 0.00002.

Submission:

Labcorp Genetics (formerly Invitae), Labcorp
Classification: Uncertain significance. Last evaluated: 2021-08-03. Review status: criteria provided, single submitter. Criteria: Invitae Variant Classification Sherloc (09022015). Collection method: clinical testing. Allele origin: germline.
Comment: In summary, the available evidence is currently insufficient to determine the role of this variant in disease. Therefore, it has been classified as a Variant of Uncertain Significance. Algorithms developed to predict the effect of missense changes on protein structure and function are either unavailable or do not agree on the potential impact of this missense change (SIFT: "Deleterious"; PolyPhen-2: "Probably Damaging"; Align-GVGD: "Class C0"). This variant has not been reported in the literature in individuals affected with SBF1-related conditions. This variant is present in population databases (rs748910673, ExAC 0.01%). This sequence change replaces arginine with cysteine at codon 1489 of the SBF1 protein (p.Arg1489Cys). The arginine residue is moderately conserved and there is a large physicochemical difference between arginine and cysteine.

NM_002972.4(SBF1):c.4465C>T (p.Arg1489Cys)

Gene: SBF1 (SET binding factor 1; minus strand). Cytogenetic location: 22q13.33.
Variant type: single nucleotide variant.
Coding change: c.4465C>T on transcript NM_002972.4 (MANE Select); coding-DNA position 4465, C replaced by T.
Protein change: p.Arg1489Cys; replaces arginine 1489 with cysteine.
Molecular consequence: missense variant.
Genome position (GRCh38, 1-based): chr22:50,455,313, G>A on the plus strand (C>T on the coding strand, the complement: SBF1 is on the minus strand). VCF-style: chr22-50455313-G-A. GRCh37 (hg19) VCF-style: chr22-50893742-G-A.
Other names: c.4390C>T, p.Arg1464Cys (NM_001365819.1); short protein forms R1464C, R1489C.
Identifiers: ClinVar variation 1475207 (VCV001475207.6), dbSNP rs748910673, ClinGen allele CA10316256.